The following is an entry in ClinVar:

ClinVar aggregate classification (germline): Likely benign (1 of 4 stars; one submission).

gnomAD v4.1: 1 of 1,614,002 alleles (0.000062%); highest among the groups gnomAD compares: Middle Eastern, 0.017%; no homozygotes.

Submission:

CeGaT Center for Human Genetics Tuebingen
Classification: Likely benign. Last evaluated: 2026-03-01. Review status: criteria provided, single submitter. Criteria: CeGaT Center For Human Genetics Tuebingen Variant Classification Criteria Version 2. Collection method: clinical testing. Allele origin: germline. Affected: yes. Observed: 1 variant allele.
Comment: ZEB2: BP4, BP7

NM_014795.4(ZEB2):c.1077T>A (p.Ser359=)

Gene: ZEB2 (zinc finger E-box binding homeobox 2; minus strand). Cytogenetic location: 2q22.3.
Variant type: single nucleotide variant.
Coding change: c.1077T>A on transcript NM_014795.4 (MANE Select); coding-DNA position 1077, T replaced by A.
Protein change: p.Ser359=; no amino-acid change (serine 359 retained).
Molecular consequence: synonymous variant.
Genome position (GRCh38, 1-based): chr2:144,400,110, A>T on the plus strand (T>A on the coding strand, the complement: ZEB2 is on the minus strand). VCF-style: chr2-144400110-A-T. GRCh37 (hg19) VCF-style: chr2-145157677-A-T.
Other names: c.1005T>A, p.Ser335= (NM_001171653.2).
Identifiers: ClinVar variation 4821928 (VCV004821928.4).